The following is an entry in ClinVar:

NM_000181.4(GUSB):c.604C>T (p.Gln202Ter)

Gene: GUSB (glucuronidase beta; minus strand). Cytogenetic location: 7q11.21.
Variant type: single nucleotide variant.
Coding change: c.604C>T on transcript NM_000181.4 (MANE Select); coding-DNA position 604, C replaced by T.
Protein change: p.Gln202Ter; replaces glutamine 202 with a stop codon.
Molecular consequence: nonsense. On other transcripts: non-coding transcript variant (1), intron variant (2).
Genome position (GRCh38, 1-based): chr7:65,979,519, G>A on the plus strand (C>T on the coding strand, the complement: GUSB is on the minus strand). VCF-style: chr7-65979519-G-A. GRCh37 (hg19) VCF-style: chr7-65444506-G-A.
Other names: c.34C>T, p.Gln12Ter (NM_001293104.2); c.67+705C>T (NM_001293105.2); c.474+315C>T (NM_001284290.2); short protein forms Q202*, Q12*.
Identifiers: ClinVar variation 2117122 (VCV002117122.4), dbSNP rs2484838592, ClinGen allele CA367649708.

ClinVar aggregate classification (germline): Pathogenic (1 of 4 stars; one submission).

Conditions:
Mucopolysaccharidosis type 7 (MPS7). Also called: BETA-GLUCURONIDASE DEFICIENCY; MPS VII; GUSB DEFICIENCY; SLY SYNDROME. Identifiers: Orphanet 584, MedGen C0085132, MONDO:0009662, OMIM 253220.

Allele frequency attached by ClinVar (database versions not stated): gnomAD exomes below 0.00001.

Submission:

Labcorp Genetics (formerly Invitae), Labcorp
Classification: Pathogenic for Mucopolysaccharidosis type 7. Last evaluated: 2023-03-26. Review status: criteria provided, single submitter. Criteria: Invitae Variant Classification Sherloc (09022015). Collection method: clinical testing. Allele origin: germline.
Comment: This sequence change creates a premature translational stop signal (p.Gln202*) in the GUSB gene. It is expected to result in an absent or disrupted protein product. Loss-of-function variants in GUSB are known to be pathogenic (PMID: 19224584). This variant is not present in population databases (gnomAD no frequency). For these reasons, this variant has been classified as Pathogenic. Algorithms developed to predict the effect of sequence changes on RNA splicing suggest that this variant may create or strengthen a splice site. ClinVar contains an entry for this variant (Variation ID: 2117122). This variant has not been reported in the literature in individuals affected with GUSB-related conditions.

Literature cited by the submitters: PubMed 19224584.